The following is an entry in ClinVar:

NM_004393.6(DAG1):c.1955G>A (p.Arg652Gln)

Gene: DAG1 (dystroglycan 1; plus strand). Cytogenetic location: 3p21.31.
Variant type: single nucleotide variant.
Coding change: c.1955G>A on transcript NM_004393.6 (MANE Select); coding-DNA position 1955, G replaced by A.
Protein change: p.Arg652Gln; replaces arginine 652 with glutamine.
Molecular consequence: missense variant.
Genome position (GRCh38, 1-based): chr3:49,532,466, G>A. VCF-style: chr3-49532466-G-A. GRCh37 (hg19) VCF-style: chr3-49569899-G-A.
Other names: c.1955G>A, p.Arg652Gln (NM_001165928.4, NM_001177634.3, NM_001177635.3 and 9 more transcripts); c.1955G>A (NM_004393.4); short protein forms R652Q.
Identifiers: ClinVar variation 1398465 (VCV001398465.5), dbSNP rs368810294, ClinGen allele CA2399179.
Genomic context (GRCh38, chr3:49,532,466, plus strand): 5'-AACTGGCCTTCGCCTTTGGAGACCGAAACTGTAGCACCATCACCCTGCAGAATATCACCC[G>A]GGGCTCCATCGTGGTGGAATGGACCAACAACACACTGCCCTTGGAGCCCTGCCCCAAGGA-3'
Protein context (NP_004384.5, residues 642-662): CSTITLQNIT[Arg652Gln]GSIVVEWTNN

ClinVar aggregate classification (germline): Uncertain significance. Review status: criteria provided, multiple submitters, no conflicts (2 of 4 stars). 3 submissions from 3 submitters: Uncertain significance (3). Last evaluated 2024-07-11.

Conditions:
Autosomal recessive limb-girdle muscular dystrophy type 2P. Also called: MUSCULAR DYSTROPHY-DYSTROGLYCANOPATHY, LIMB-GIRDLE, DAG1-RELATED; MUSCULAR DYSTROPHY, LIMB-GIRDLE, TYPE 2P; Limb-Girdle Muscular Dystrophy Type 9C. Identifiers: Orphanet 280333, MedGen C4511963, MONDO:0013440, OMIM 613818.
Muscular dystrophy-dystroglycanopathy (congenital with brain and eye anomalies), type A9. Also called: Muscular dystrophy-dystroglycanopathy (congenital with brain and eye anomalies), type a, 9; WALKER-WARBURG SYNDROME OR MUSCLE-EYE BRAIN DISEASE, DAG1-RELATED. Identifiers: Orphanet 370997, Orphanet 899, MedGen C4225291, MONDO:0014683, OMIM 616538.
Inborn genetic diseases. Identifiers: MedGen C0950123, MeSH D030342.

Allele frequency attached by ClinVar (database versions not stated): gnomAD 0.00001; ESP Exome Variant Server 0.00008; ExAC 0.00007.
gnomAD v4.1: 18 of 1,614,080 alleles (0.0011%); highest among the groups gnomAD compares: South Asian, 0.0022%; no homozygotes.

Submissions (3):

Revvity Omics, Revvity
Classification: Uncertain significance. Last evaluated: 2024-07-11. Review status: criteria provided, single submitter. Criteria: ACMG Guidelines, 2015. Collection method: clinical testing. Allele origin: germline.

Ambry Genetics
Classification: Uncertain significance for Inborn genetic diseases. Last evaluated: 2024-01-09. Review status: criteria provided, single submitter. Criteria: Ambry Variant Classification Scheme 2023. Collection method: clinical testing. Allele origin: germline.

Labcorp Genetics (formerly Invitae), Labcorp
Classification: Uncertain significance for Autosomal recessive limb-girdle muscular dystrophy type 2P; Muscular dystrophy-dystroglycanopathy (congenital with brain and eye anomalies), type A9. Last evaluated: 2022-09-01. Review status: criteria provided, single submitter. Criteria: Invitae Variant Classification Sherloc (09022015). Collection method: clinical testing. Allele origin: germline.
Comment: This sequence change replaces arginine, which is basic and polar, with glutamine, which is neutral and polar, at codon 652 of the DAG1 protein (p.Arg652Gln). This variant is present in population databases (rs368810294, gnomAD 0.02%). This variant has not been reported in the literature in individuals affected with DAG1-related conditions. ClinVar contains an entry for this variant (Variation ID: 1398465). Algorithms developed to predict the effect of missense changes on protein structure and function output the following: SIFT: "Tolerated"; PolyPhen-2: "Benign"; Align-GVGD: "Class C0". The glutamine amino acid residue is found in multiple mammalian species, which suggests that this missense change does not adversely affect protein function. Algorithms developed to predict the effect of sequence changes on RNA splicing suggest that this variant may create or strengthen a splice site. In summary, the available evidence is currently insufficient to determine the role of this variant in disease. Therefore, it has been classified as a Variant of Uncertain Significance.